The following is an entry in ClinVar:

ClinVar aggregate classification (germline): Conflicting classifications of pathogenicity. Review status: criteria provided, conflicting classifications (1 of 4 stars). 4 submissions from 4 submitters: Uncertain significance (1); Likely benign (3). Last evaluated 2024-10-22.

Conditions:
Intellectual disability, X-linked, with or without seizures, ARX-related. Also called: MENTAL RETARDATION, X-LINKED 29; MENTAL RETARDATION, X-LINKED 32; MENTAL RETARDATION, X-LINKED 33; MENTAL RETARDATION, X-LINKED 38; MENTAL RETARDATION, X-LINKED 43; MENTAL RETARDATION, X-LINKED 76. Identifiers: Orphanet 777, MedGen C0796244, MONDO:0010317, OMIM 300419.
Developmental and epileptic encephalopathy, 1 (DEE1). Also called: Epileptic encephalopathy, early infantile, 1; X-linked infantile spasms; West's syndrome; Tonic spasms with clustering, arrest of psychomotor development and hypsarrhythmia on EEG; X-Linked Infantile Spasm Syndrome; INFANTILE SPASM SYNDROME, X-LINKED 1. Identifiers: MedGen C3463992, MONDO:0010632, OMIM 308350. Disease mechanism: loss of function.

Allele frequency attached by ClinVar (database versions not stated): gnomAD 0.00002; TOPMed 0.00003.
gnomAD v4.1: 78 of 1,115,462 alleles (0.007%); highest among the groups gnomAD compares: Admixed American, 0.015%; no homozygotes.

Submissions (4):

Labcorp Genetics (formerly Invitae), Labcorp
Classification: Likely benign for Developmental and epileptic encephalopathy, 1; Intellectual disability, X-linked, with or without seizures, ARX-related. Last evaluated: 2024-10-22. Review status: criteria provided, single submitter. Criteria: Invitae Variant Classification Sherloc (09022015). Collection method: clinical testing. Allele origin: germline.

GeneDx
Classification: Likely benign. Last evaluated: 2017-11-30. Review status: criteria provided, single submitter. Criteria: GeneDx Variant Classification (06012015). Collection method: clinical testing. Allele origin: germline. Affected: yes.
Comment: This variant is considered likely benign or benign based on one or more of the following criteria: it is a conservative change, it occurs at a poorly conserved position in the protein, it is predicted to be benign by multiple in silico algorithms, and/or has population frequency not consistent with disease.

Genetic Services Laboratory, University of Chicago
Classification: Likely benign. Last evaluated: 2016-05-13. Review status: criteria provided, single submitter. Criteria: ACMG Guidelines, 2015. Collection method: clinical testing. Allele origin: germline. Affected: no.

Eurofins Ntd Llc (ga)
Classification: Uncertain significance. Last evaluated: 2013-03-04. Review status: criteria provided, single submitter. Criteria: EGL Classification Definitions 2015. Collection method: clinical testing. Allele origin: germline. Observed: 2 variant alleles, 2 heterozygotes.

NM_139058.3(ARX):c.1272G>A (p.Pro424=)

Gene: ARX (aristaless related homeobox; minus strand). Cytogenetic location: Xp21.3.
Variant type: single nucleotide variant.
Coding change: c.1272G>A on transcript NM_139058.3 (MANE Select); coding-DNA position 1272, G replaced by A.
Protein change: p.Pro424=; no amino-acid change (proline 424 retained).
Molecular consequence: synonymous variant.
Genome position (GRCh38, 1-based): chrX:25,007,287, C>T on the plus strand (G>A on the coding strand, the complement: ARX is on the minus strand). VCF-style: chrX-25007287-C-T. GRCh37 (hg19) VCF-style: chrX-25025404-C-T.
Identifiers: ClinVar variation 96449 (VCV000096449.22), dbSNP rs398124507, ClinGen allele CA224121.